The following is an entry in ClinVar:

ClinVar aggregate classification (germline): Uncertain significance (1 of 4 stars; one submission).

Conditions:
Primary ciliary dyskinesia. Also called: Ciliary dyskinesia. Identifiers: Orphanet 244, MedGen C0008780, MONDO:0016575, HP:0012265.

Submission:

Labcorp Genetics (formerly Invitae), Labcorp
Classification: Uncertain significance for Primary ciliary dyskinesia. Last evaluated: 2023-07-07. Review status: criteria provided, single submitter. Criteria: Invitae Variant Classification Sherloc (09022015). Collection method: clinical testing. Allele origin: germline.
Comment: In summary, the available evidence is currently insufficient to determine the role of this variant in disease. Therefore, it has been classified as a Variant of Uncertain Significance. Experimental studies and prediction algorithms are not available or were not evaluated, and the functional significance of this variant is currently unknown. ClinVar contains an entry for this variant (Variation ID: 1975740). This variant has not been reported in the literature in individuals affected with RPGR (ORF15)-related conditions. This variant is not present in population databases (gnomAD no frequency). This variant, c.2939_2940ins69, results in the insertion of 23 amino acid(s) of the RPGR (ORF15) protein (p.Glu983_Glu984ins23), but otherwise preserves the integrity of the reading frame.

NM_001034853.2(RPGR):c.2939_2940insAGGGGAGGAAGGAGAAGGGGAGGGGGAAGAGGAGGAAGGAGAAGGGGAAGGGGAGGAAGGAGAAGGGGA (p.Glu983_Glu984insGlyGluGlyGluGlyGluGluGluGluGlyGluGlyGluGlyGluGluGlyGluGlyGluGlyGluGlu)

Gene: RPGR (retinitis pigmentosa GTPase regulator; minus strand). Cytogenetic location: Xp11.4.
Variant type: Insertion.
Coding change: c.2939_2940insAGGGGAGGAAGGAGAAGGGGAGGGGGAAGAGGAGGAAGGAGAAGGGGAAGGGGAGGAAGGAGAAGGGGA on transcript NM_001034853.2 (MANE Select); coding-DNA positions 2939 to 2940, AGGGGAGGAAGGAGAAGGGGAGGGGGAAGAGGAGGAAGGAGAAGGGGAAGGGGAGGAAGGAGAAGGGGA inserted.
Protein change: p.Glu983_Glu984insGlyGluGlyGluGlyGluGluGluGluGlyGluGlyGluGlyGluGluGlyGluGlyGluGlyGluGlu.
Molecular consequence: inframe insertion. On other transcripts: intron variant (8).
Genome position: GRCh38: chrX:38,286,097-38,286,098. GRCh37 (hg19): chrX:38,145,350-38,145,351.
Other names: c.1569+4899_1569+4900insGAGGAAGGAGAAGGGGAAGGGGAGGAAGGAGAAGGGGAAGGGGAGGAAGGAGAAGGGGAGGGGGAAGAG (NM_001367249.1, NM_001367250.1); c.1902+1034_1902+1035insGAGGAAGGAGAAGGGGAAGGGGAGGAAGGAGAAGGGGAAGGGGAGGAAGGAGAAGGGGAGGGGGAAGAG (NM_001367245.1); c.1386+4899_1386+4900insGAGGAAGGAGAAGGGGAAGGGGAGGAAGGAGAAGGGGAAGGGGAGGAAGGAGAAGGGGAGGGGGAAGAG (NM_001367251.1); c.1719+1034_1719+1035insGAGGAAGGAGAAGGGGAAGGGGAGGAAGGAGAAGGGGAAGGGGAGGAAGGAGAAGGGGAGGGGGAAGAG (NM_001367246.1); c.1572+4899_1572+4900insGAGGAAGGAGAAGGGGAAGGGGAGGAAGGAGAAGGGGAAGGGGAGGAAGGAGAAGGGGAGGGGGAAGAG (NM_001367247.1); c.1905+1034_1905+1035insGAGGAAGGAGAAGGGGAAGGGGAGGAAGGAGAAGGGGAAGGGGAGGAAGGAGAAGGGGAGGGGGAAGAG (NM_000328.3); c.1602+4899_1602+4900insGAGGAAGGAGAAGGGGAAGGGGAGGAAGGAGAAGGGGAAGGGGAGGAAGGAGAAGGGGAGGGGGAAGAG (NM_001367248.1).
Identifiers: ClinVar variation 1975740 (VCV001975740.5), dbSNP rs772859148, ClinGen allele CA2580100827.